The following is an entry in ClinVar:

ClinVar aggregate classification (germline): Likely pathogenic (1 of 4 stars; one submission).

Conditions:
Charcot-Marie-Tooth disease axonal type 2P. Also called: CHARCOT-MARIE-TOOTH NEUROPATHY, TYPE 2P; CHARCOT-MARIE-TOOTH DISEASE, AXONAL, TYPE 2G; CMT 2G; Charcot-Marie-Tooth Neuropathy Type 2G. Identifiers: Orphanet 300319, Orphanet 99941, MedGen C3280797, MONDO:0013753, OMIM 614436.

Submission:

Labcorp Genetics (formerly Invitae), Labcorp
Classification: Likely pathogenic for Charcot-Marie-Tooth disease type 2P. Last evaluated: 2019-11-08. Review status: criteria provided, single submitter. Criteria: Invitae Variant Classification Sherloc (09022015). Collection method: clinical testing. Allele origin: germline.
Comment: This variant is a gross deletion of the genomic region encompassing exons 13-14 and part of exon 12 (c.846_1088+563del) of the LRSAM1 gene. It is expected to disrupt RNA splicing and likely results in an absent or disrupted protein product. This variant has not been reported in the literature in individuals with LRSAM1-related disease. ClinVar contains an entry for this variant (Variation ID: 650288). Loss-of-function variants in LRSAM1 are known to be pathogenic (PMID: 20865121). For these reasons, this variant has been classified as Likely Pathogenic.

NM_001005373.4(LRSAM1):c.849_1088+565del

Gene: LRSAM1 (leucine rich repeat and sterile alpha motif containing 1; plus strand). Cytogenetic location: 9q33.3.
Variant type: Deletion.
Coding change: c.849_1088+565del on transcript NM_001005373.4 (MANE Select); coding-DNA position 849 through 565 bases into the intron after coding-DNA position 1088, 2,342 bases deleted.
Molecular consequence: splice acceptor variant, splice donor variant.
Genome position (GRCh38, 1-based): chr9:127,479,451-127,481,792, 2,342 bases deleted. GRCh37 (hg19): chr9:130,241,730-130,244,071.
Other names: c.847_1088+563del (NM_138361.5); c.849_1088+565del (NM_138361.5, NM_001384142.1, NM_001384143.1 and 2 more transcripts); c.60_299+565del (NM_001384144.1).
Identifiers: ClinVar variation 650288 (VCV000650288.2), ClinGen allele CA915947164.